The following is an entry in ClinVar:

NM_000268.4(NF2):c.1517C>G (p.Ser506Cys)

Gene: NF2 (NF2, moesin-ezrin-radixin like (MERLIN) tumor suppressor; plus strand). Cytogenetic location: 22q12.2.
Variant type: single nucleotide variant.
Coding change: c.1517C>G on transcript NM_000268.4 (MANE Select); coding-DNA position 1517, C replaced by G.
Protein change: p.Ser506Cys; replaces serine 506 with cysteine.
Molecular consequence: missense variant. On other transcripts: non-coding transcript variant (1), intron variant (1).
Genome position (GRCh38, 1-based): chr22:29,678,266, C>G. VCF-style: chr22-29678266-C-G. GRCh37 (hg19) VCF-style: chr22-30074255-C-G.
Other names: c.1517C>G, p.Ser506Cys (NM_016418.5, NM_181825.3, NM_181832.3); c.1391C>G, p.Ser464Cys (NM_181828.3); c.1394C>G, p.Ser465Cys (NM_181829.3); c.1268C>G, p.Ser423Cys (NM_181830.3, NM_181831.3); c.448-16486C>G (NM_181833.3); short protein forms S506C, S423C, S464C, S465C.
Identifiers: ClinVar variation 575367 (VCV000575367.9), dbSNP rs970051210, ClinGen allele CA323119256.

ClinVar aggregate classification (germline): Uncertain significance (1 of 4 stars; one submission).

Conditions:
Neurofibromatosis, type 2 (SWNV). Also called: NF2-Related Schwannomatosis; BILATERAL ACOUSTIC NEUROFIBROMATOSIS; SCHWANNOMATOSIS, VESTIBULAR. Identifiers: Orphanet 637, MedGen C0027832, MONDO:0007039, OMIM 101000. Disease mechanism: loss of function.

Allele frequency attached by ClinVar (database versions not stated): gnomAD exomes below 0.00001.

Submission:

Labcorp Genetics (formerly Invitae), Labcorp
Classification: Uncertain significance for Neurofibromatosis, type 2. Last evaluated: 2018-06-14. Review status: criteria provided, single submitter. Criteria: Invitae Variant Classification Sherloc (09022015). Collection method: clinical testing. Allele origin: germline.
Comment: In summary, the available evidence is currently insufficient to determine the role of this variant in disease. Therefore, it has been classified as a Variant of Uncertain Significance. Algorithms developed to predict the effect of missense changes on protein structure and function are either unavailable or do not agree on the potential impact of this missense change (SIFT: "Deleterious"; PolyPhen-2: "Possibly Damaging"; Align-GVGD: "Class C0"). This variant has not been reported in the literature in individuals with NF2-related disease. This variant is not present in population databases (ExAC no frequency). This sequence change replaces serine with cysteine at codon 506 of the NF2 protein (p.Ser506Cys). The serine residue is moderately conserved and there is a moderate physicochemical difference between serine and cysteine.